The following is an entry in ClinVar:

NM_000038.6(APC):c.2104G>A (p.Gly702Arg)

Gene: APC (APC regulator of Wnt signaling pathway; plus strand). Cytogenetic location: 5q22.2.
Variant type: single nucleotide variant.
Coding change: c.2104G>A on transcript NM_000038.6 (MANE Select); coding-DNA position 2104, G replaced by A.
Protein change: p.Gly702Arg; replaces glycine 702 with arginine.
Molecular consequence: missense variant.
Genome position (GRCh38, 1-based): chr5:112,837,698, G>A. VCF-style: chr5-112837698-G-A. GRCh37 (hg19) VCF-style: chr5-112173395-G-A.
Other names: c.2104G>A, p.Gly702Arg (NM_001127510.3, NM_001354895.2); c.2050G>A, p.Gly684Arg (NM_001127511.3); c.2158G>A, p.Gly720Arg (NM_001354896.2); c.2134G>A, p.Gly712Arg (NM_001354897.2); c.2029G>A, p.Gly677Arg (NM_001354898.2); c.2020G>A, p.Gly674Arg (NM_001354899.2); c.1981G>A, p.Gly661Arg (NM_001354900.2); c.1927G>A, p.Gly643Arg (NM_001354901.2); and 5 more; short protein forms G576R, G643R, G720R, G419R, G702R, G601R, G661R, G542R.
Identifiers: ClinVar variation 1445042 (VCV001445042.11), dbSNP rs1765106978, ClinGen allele CA16025930.

ClinVar aggregate classification (germline): Uncertain significance. Review status: criteria provided, multiple submitters, no conflicts (2 of 4 stars). 2 submissions from 2 submitters: Uncertain significance (2). Last evaluated 2025-09-10.

Conditions:
Familial adenomatous polyposis 1 (FAP1). Also called: FAMILIAL ADENOMATOUS POLYPOSIS 1, ATTENUATED; POLYPOSIS, ADENOMATOUS INTESTINAL. Identifiers: MedGen C2713442, MONDO:0021056, OMIM 175100. Disease mechanism: loss of function.
Hereditary cancer-predisposing syndrome. Also called: Tumor predisposition; Hereditary Cancer Syndrome; Hereditary neoplastic syndrome; Neoplastic Syndromes, Hereditary. Identifiers: Orphanet 140162, MedGen C0027672, MeSH D009386, MONDO:0015356.

Allele frequency attached by ClinVar (database versions not stated): gnomAD 0.00001.
gnomAD v4.1: 1 of 1,614,016 alleles (0.000062%); highest among the groups gnomAD compares: East Asian, 0.0022%; no homozygotes.

Submissions (2):

Labcorp Genetics (formerly Invitae), Labcorp
Classification: Uncertain significance for Familial adenomatous polyposis 1. Last evaluated: 2025-09-10. Review status: criteria provided, single submitter. Criteria: Invitae Variant Classification Sherloc (09022015). Collection method: clinical testing. Allele origin: germline.
Comment: This sequence change replaces glycine, which is neutral and non-polar, with arginine, which is basic and polar, at codon 702 of the APC protein (p.Gly702Arg). This variant is not present in population databases (gnomAD no frequency). This variant has not been reported in the literature in individuals affected with APC-related conditions. ClinVar contains an entry for this variant (Variation ID: 1445042). Invitae Evidence Modeling of protein sequence and biophysical properties (such as structural, functional, and spatial information, amino acid conservation, physicochemical variation, residue mobility, and thermodynamic stability) has been performed for this missense variant. However, the output from this modeling did not meet the statistical confidence thresholds required to predict the impact of this variant on APC protein function. In summary, the available evidence is currently insufficient to determine the role of this variant in disease. Therefore, it has been classified as a Variant of Uncertain Significance.

Ambry Genetics
Classification: Uncertain significance for Hereditary cancer-predisposing syndrome. Last evaluated: 2025-06-22. Review status: criteria provided, single submitter. Criteria: Ambry Variant Classification Scheme 2023. Collection method: clinical testing. Allele origin: germline.
Comment: The p.G702R variant (also known as c.2104G>A), located in coding exon 15 of the APC gene, results from a G to A substitution at nucleotide position 2104. The glycine at codon 702 is replaced by arginine, an amino acid with dissimilar properties. Missense alterations in APC are not a common cause of disease (Spier I et al. Genet Med. 2024 Feb;26(2):100992). This amino acid position is highly conserved in available vertebrate species. In addition, in silico predictors for this gene do not accurately predict pathogenicity. Based on the available evidence, the clinical significance of this variant remains unclear.